The following is an entry in ClinVar:

NM_003482.4(KMT2D):c.12077A>G (p.Gln4026Arg)

Gene: KMT2D (lysine methyltransferase 2D; minus strand). Cytogenetic location: 12q13.12.
Variant type: single nucleotide variant.
Coding change: c.12077A>G on transcript NM_003482.4 (MANE Select); coding-DNA position 12077, A replaced by G.
Protein change: p.Gln4026Arg; replaces glutamine 4026 with arginine.
Molecular consequence: missense variant.
Genome position (GRCh38, 1-based): chr12:49,032,628, T>C on the plus strand (A>G on the coding strand, the complement: KMT2D is on the minus strand). VCF-style: chr12-49032628-T-C. GRCh37 (hg19) VCF-style: chr12-49426411-T-C.
Other names: short protein forms Q4026R.
Identifiers: ClinVar variation 2827324 (VCV002827324.3), dbSNP rs2498358935, ClinGen allele CA384713083.
Genomic context (GRCh38, chr12:49,032,628, plus strand): 5'-CCCTGATGTGTAGAGGGCCCCTCAGTGGCCTCTGAAGAAACGGCTGGGTCTACGGTGTTT[T>C]GTTCCTTGCCCGTCAGGAGGAGGGTTGGACCCAGGGCTCCAGGGCTAGAAAAGTGTTGAA-3'
Protein context (NP_003473.3, residues 4016-4036): GPTLLLTGKE[Gln4026Arg]NTVDPAVSSE

ClinVar aggregate classification (germline): Uncertain significance (1 of 4 stars; one submission).

Conditions:
Kabuki syndrome. Also called: NIIKAWA-KUROKI SYNDROME; Kabuki make-up syndrome. Identifiers: Orphanet 2322, MedGen C0796004, MONDO:0016512.

Submission:

Labcorp Genetics (formerly Invitae), Labcorp
Classification: Uncertain significance for Kabuki syndrome. Last evaluated: 2023-01-09. Review status: criteria provided, single submitter. Criteria: Invitae Variant Classification Sherloc (09022015). Collection method: clinical testing. Allele origin: germline.
Comment: This sequence change replaces glutamine, which is neutral and polar, with arginine, which is basic and polar, at codon 4026 of the KMT2D protein (p.Gln4026Arg). In summary, the available evidence is currently insufficient to determine the role of this variant in disease. Therefore, it has been classified as a Variant of Uncertain Significance. Advanced modeling of protein sequence and biophysical properties (such as structural, functional, and spatial information, amino acid conservation, physicochemical variation, residue mobility, and thermodynamic stability) performed at Invitae indicates that this missense variant is not expected to disrupt KMT2D protein function. This variant has not been reported in the literature in individuals affected with KMT2D-related conditions. This variant is not present in population databases (gnomAD no frequency).